The following is an entry in ClinVar:

NM_015512.5(DNAH1):c.3656G>A (p.Arg1219His)

Gene: DNAH1 (dynein axonemal heavy chain 1; plus strand). Cytogenetic location: 3p21.1.
Variant type: single nucleotide variant.
Coding change: c.3656G>A on transcript NM_015512.5 (MANE Select); coding-DNA position 3656, G replaced by A.
Protein change: p.Arg1219His; replaces arginine 1219 with histidine.
Molecular consequence: missense variant.
Genome position (GRCh38, 1-based): chr3:52,355,018, G>A. VCF-style: chr3-52355018-G-A. GRCh37 (hg19) VCF-style: chr3-52389034-G-A.
Other names: short protein forms R1219H.
Identifiers: ClinVar variation 2155956 (VCV002155956.4), dbSNP rs776461129, ClinGen allele CA2433640.
Genomic context (GRCh38, chr3:52,355,018, plus strand): 5'-ACCACATCGTCATGACCCAGAATATGTCATTTTCACCCTACAAGAAGCCCTTTGAGCAGC[G>A]CATCAACTCCTGGGAGAACAAACTGAAGCTGACCCAGGTCGGCCCTCCCCCCAGTCCTTC-3'
Protein context (NP_056327.4, residues 1209-1229): FSPYKKPFEQ[Arg1219His]INSWENKLKL

ClinVar aggregate classification (germline): Uncertain significance (1 of 4 stars; one submission).

Conditions:
Spermatogenic failure 18. Identifiers: MedGen C4539783, MONDO:0054615, OMIM 617576.
Ciliary dyskinesia, primary, 37 (CILD37). Also called: CILIARY DYSKINESIA, PRIMARY, 37, WITH OR WITHOUT SITUS INVERSUS. Identifiers: MedGen C4539798, MONDO:0033204, OMIM 617577.

Allele frequency attached by ClinVar (database versions not stated): TOPMed 0.00004; gnomAD 0.00005.
gnomAD v4.1: 71 of 1,613,720 alleles (0.0044%); highest among the groups gnomAD compares: South Asian, 0.0077%; no homozygotes.

Submission:

Labcorp Genetics (formerly Invitae), Labcorp
Classification: Uncertain significance for Ciliary dyskinesia, primary, 37; Spermatogenic failure 18. Last evaluated: 2022-06-13. Review status: criteria provided, single submitter. Criteria: Invitae Variant Classification Sherloc (09022015). Collection method: clinical testing. Allele origin: germline.
Comment: This variant is present in population databases (rs776461129, gnomAD 0.007%). In summary, the available evidence is currently insufficient to determine the role of this variant in disease. Therefore, it has been classified as a Variant of Uncertain Significance. Algorithms developed to predict the effect of missense changes on protein structure and function (SIFT, PolyPhen-2, Align-GVGD) all suggest that this variant is likely to be disruptive. This variant has not been reported in the literature in individuals affected with DNAH1-related conditions. This sequence change replaces arginine, which is basic and polar, with histidine, which is basic and polar, at codon 1219 of the DNAH1 protein (p.Arg1219His).